The following is an entry in ClinVar:

NM_000038.6(APC):c.6522T>C (p.Ser2174=)

Gene: APC (APC regulator of Wnt signaling pathway; plus strand). Cytogenetic location: 5q22.2.
Variant type: single nucleotide variant.
Coding change: c.6522T>C on transcript NM_000038.6 (MANE Select); coding-DNA position 6522, T replaced by C.
Protein change: p.Ser2174=; no amino-acid change (serine 2174 retained).
Molecular consequence: synonymous variant.
Genome position (GRCh38, 1-based): chr5:112,842,116, T>C. VCF-style: chr5-112842116-T-C. GRCh37 (hg19) VCF-style: chr5-112177813-T-C.
Other names: c.6522T>C, p.Ser2174= (NM_001127510.3, NM_001354895.2); c.6468T>C, p.Ser2156= (NM_001127511.3); c.6576T>C, p.Ser2192= (NM_001354896.2); c.6552T>C, p.Ser2184= (NM_001354897.2); c.6447T>C, p.Ser2149= (NM_001354898.2); c.6438T>C, p.Ser2146= (NM_001354899.2); c.6399T>C, p.Ser2133= (NM_001354900.2); c.6345T>C, p.Ser2115= (NM_001354901.2); and 5 more.
Identifiers: ClinVar variation 233260 (VCV000233260.22), dbSNP rs370781162, ClinGen allele CA045201.

ClinVar aggregate classification (germline): Benign/Likely benign. Review status: criteria provided, multiple submitters, no conflicts (2 of 4 stars). 6 submissions from 6 submitters: Benign (1); Likely benign (5). Last evaluated 2026-01-31.

Conditions:
Classic or attenuated familial adenomatous polyposis. Identifiers: MedGen CN372698, MONDO:0021057.
Hereditary cancer-predisposing syndrome. Also called: Neoplastic Syndromes, Hereditary; Tumor predisposition; Hereditary Cancer Syndrome; Hereditary neoplastic syndrome. Identifiers: Orphanet 140162, MedGen C0027672, MeSH D009386, MONDO:0015356.
Familial adenomatous polyposis 1 (FAP1). Also called: FAMILIAL ADENOMATOUS POLYPOSIS 1, ATTENUATED; POLYPOSIS, ADENOMATOUS INTESTINAL. Identifiers: MedGen C2713442, MONDO:0021056, OMIM 175100. Disease mechanism: loss of function.

Allele frequency attached by ClinVar (database versions not stated): gnomAD exomes below 0.00001; ExAC 0.00001; gnomAD 0.00001; TOPMed 0.00001; ESP Exome Variant Server 0.00008.
gnomAD v4.1: 3 of 1,610,842 alleles (0.00019%); highest among the groups gnomAD compares: East Asian, 0.0022%; no homozygotes.

Submissions (6):

Labcorp Genetics (formerly Invitae), Labcorp
Classification: Likely benign for Familial adenomatous polyposis 1. Last evaluated: 2026-01-31. Review status: criteria provided, single submitter. Criteria: Invitae Variant Classification Sherloc (09022015). Collection method: clinical testing. Allele origin: germline.

Women's Health and Genetics/Laboratory Corporation of America, LabCorp
Classification: Likely benign. Last evaluated: 2024-06-16. Review status: criteria provided, single submitter. Criteria: LabCorp Variant Classification Summary - May 2015. Collection method: clinical testing. Allele origin: germline.

Myriad Genetics, Inc.
Classification: Benign for Familial adenomatous polyposis 1. Last evaluated: 2024-04-04. Review status: criteria provided, single submitter. Criteria: Myriad Autosomal Dominant, Autosomal Recessive and X-Linked Classification Criteria (2023). Collection method: clinical testing. Allele origin: unknown.
Comment: This variant is considered benign. This variant is a silent/synonymous amino acid change and it is not expected to impact splicing.

All of Us Research Program, National Institutes of Health
Classification: Likely benign for Classic or attenuated familial adenomatous polyposis. Last evaluated: 2023-06-26. Review status: criteria provided, single submitter. Criteria: ACMG Guidelines, 2015. Collection method: clinical testing. Allele origin: germline. Inheritance: Autosomal dominant inheritance. Observed: 2 variant alleles, 2 heterozygotes.
Comment: This study involves interpretation of variants in research participants for the purpose of population health screening. Participant phenotype was not available at the time of variant classification. Additional details can be found in publication PMID: 35346344, PMCID: PMC8962531

Color Diagnostics, LLC DBA Color Health
Classification: Likely benign for Hereditary cancer-predisposing syndrome. Last evaluated: 2017-10-14. Review status: criteria provided, single submitter. Criteria: ACMG Guidelines, 2015. Collection method: clinical testing. Allele origin: germline.

Ambry Genetics
Classification: Likely benign for Hereditary cancer-predisposing syndrome. Last evaluated: 2015-07-30. Review status: criteria provided, single submitter. Criteria: Ambry Variant Classification Scheme 2023. Collection method: clinical testing. Allele origin: germline.